The following is an entry in ClinVar:

ClinVar aggregate classification (germline): Uncertain significance (1 of 4 stars; one submission).

gnomAD v4.1: 1 of 1,612,490 alleles (0.000062%); highest among the groups gnomAD compares: Non-Finnish European, 0.000085%; no homozygotes.

Submission:

GeneDx
Classification: Uncertain significance. Last evaluated: 2026-03-22. Review status: criteria provided, single submitter. Criteria: GeneDx Variant Classification Process June 2021. Collection method: clinical testing. Allele origin: germline.
Comment: Not observed at significant frequency in large population cohorts (gnomAD); In silico analysis supports that this missense variant has a deleterious effect on protein structure/function; Has not been previously published as pathogenic or benign to our knowledge

NM_020971.3(SPTBN4):c.1193A>T (p.Asp398Val)

Gene: SPTBN4 (spectrin beta, non-erythrocytic 4; plus strand). Cytogenetic location: 19q13.2.
Variant type: single nucleotide variant.
Coding change: c.1193A>T on transcript NM_020971.3 (MANE Select); coding-DNA position 1193, A replaced by T.
Protein change: p.Asp398Val; replaces aspartic acid 398 with valine.
Molecular consequence: missense variant.
Genome position (GRCh38, 1-based): chr19:40,502,497, A>T. VCF-style: chr19-40502497-A-T. GRCh37 (hg19) VCF-style: chr19-41008404-A-T.
Other names: short protein forms D398V.
Identifiers: ClinVar variation 5017074 (VCV005017074.1).